The following is an entry in ClinVar:

ClinVar aggregate classification (germline): Benign. Review status: criteria provided, multiple submitters, no conflicts (2 of 4 stars). 2 submissions from 2 submitters: Benign (2). Last evaluated 2018-06-19.

Allele frequency attached by ClinVar (database versions not stated): gnomAD exomes 0.06166; gnomAD 0.12552 and 0.12562; TOPMed 0.14290; 1000 Genomes Project 30x 0.19863; 1000 Genomes Project 0.19968.
gnomAD v4.1: 98,275 of 1,422,852 alleles (6.9%); highest among the groups gnomAD compares: East Asian, 40%; 7,931 homozygotes.

Submissions (2):

GeneDx
Classification: Benign. Last evaluated: 2018-06-19. Review status: criteria provided, single submitter. Criteria: GeneDx Variant Classification (06012015). Collection method: clinical testing. Allele origin: germline. Affected: yes.
Comment: This variant is considered likely benign or benign based on one or more of the following criteria: it is a conservative change, it occurs at a poorly conserved position in the protein, it is predicted to be benign by multiple in silico algorithms, and/or has population frequency not consistent with disease.

Breakthrough Genomics
Classification: Benign. Review status: criteria provided, single submitter. Criteria: ACMG Guidelines, 2015. Collection method: not provided. Allele origin: germline. Inheritance: Autosomal recessive inheritance. Affected: yes.

NM_001849.4(COL6A2):c.2462-2299T>C

Gene: COL6A2 (collagen type VI alpha 2 chain; plus strand). Cytogenetic location: 21q22.3.
Variant type: single nucleotide variant.
Coding change: c.2462-2299T>C on transcript NM_001849.4 (MANE Select); 2299 bases into the intron before coding-DNA position 2462, T replaced by C.
Molecular consequence: intron variant. On other transcripts: 3 prime UTR variant (2).
Genome position (GRCh38, 1-based): chr21:46,129,655, T>C. VCF-style: chr21-46129655-T-C. GRCh37 (hg19) VCF-style: chr21-47549569-T-C.
Other names: c.*164T>C (NM_058174.3); c.*727T>C (NM_058175.3).
Identifiers: ClinVar variation 681648 (VCV000681648.2), dbSNP rs559, ClinGen allele CA14875508.